The following is an entry in ClinVar:

NM_000059.4(BRCA2):c.1457A>C (p.Gln486Pro)

Gene: BRCA2 (BRCA2 DNA repair associated; plus strand). Cytogenetic location: 13q13.1.
Variant type: single nucleotide variant.
Coding change: c.1457A>C on transcript NM_000059.4 (MANE Select); coding-DNA position 1457, A replaced by C.
Protein change: p.Gln486Pro; replaces glutamine 486 with proline.
Molecular consequence: missense variant.
Genome position (GRCh38, 1-based): chr13:32,332,935, A>C. VCF-style: chr13-32332935-A-C. GRCh37 (hg19) VCF-style: chr13-32907072-A-C.
Other names: short protein forms Q486P.
Identifiers: ClinVar variation 479356 (VCV000479356.18), dbSNP rs757735681, ClinGen allele CA387764356.

ClinVar aggregate classification (germline): Conflicting classifications of pathogenicity. Review status: criteria provided, conflicting classifications (1 of 4 stars). 4 submissions from 4 submitters: Uncertain significance (3); Likely benign (1). Last evaluated 2026-02-20.

Conditions:
Hereditary cancer-predisposing syndrome. Also called: Tumor predisposition; Neoplastic Syndromes, Hereditary; Hereditary Cancer Syndrome; Hereditary neoplastic syndrome. Identifiers: Orphanet 140162, MedGen C0027672, MeSH D009386, MONDO:0015356.
Hereditary breast ovarian cancer syndrome. Also called: Hereditary breast and ovarian cancer; Breast and ovarian cancer; Hereditary breast and/or ovarian cancer syndrome; Hereditary breast and ovarian cancer syndrome (HBOC); BRCA1- and BRCA2-Associated Hereditary Breast and Ovarian Cancer; Hereditary breast and ovarian cancer syndrome. Identifiers: Orphanet 145, MedGen C0677776, MeSH D061325, MONDO:0003582. Disease mechanism: loss of function.
Breast-ovarian cancer, familial, susceptibility to, 2 (BROVCA2). Also called: BRCA2 Hereditary Breast and Ovarian Cancer. Identifiers: Orphanet 145, MedGen C2675520, MONDO:0012933, OMIM 612555. Disease mechanism: loss of function.

gnomAD v4.1: 1 of 1,607,708 alleles (0.000062%); highest among the groups gnomAD compares: Non-Finnish European, 0.000085%; no homozygotes.

Submissions (4):

St. Jude Molecular Pathology, St. Jude Children's Research Hospital
Classification: Uncertain significance for Breast-ovarian cancer, familial, susceptibility to, 2. Last evaluated: 2026-02-20. Review status: criteria provided, single submitter. Criteria: St. Jude Assertion Criteria 2020. Collection method: clinical testing. Allele origin: germline.
Comment: The BRCA2 c.1457A> C p.(Gln486Pro) missense change is absent in gnomAD v2.1.1. The in silico tool REVEL predicts a benign effect on protein function, but to our knowledge this prediction has not been confirmed by functional studies. To o ur knowledge, this variant has not been reported in individuals with BRCA2-related disease. In summary, the evidence currently available is insufficient to determine the clinical significance of this variant. It has therefore been classified as of uncertain significance.

Labcorp Genetics (formerly Invitae), Labcorp
Classification: Uncertain significance for Hereditary breast ovarian cancer syndrome. Last evaluated: 2024-05-31. Review status: criteria provided, single submitter. Criteria: Invitae Variant Classification Sherloc (09022015). Collection method: clinical testing. Allele origin: germline.
Comment: This sequence change replaces glutamine, which is neutral and polar, with proline, which is neutral and non-polar, at codon 486 of the BRCA2 protein (p.Gln486Pro). This variant is not present in population databases (gnomAD no frequency). This missense change has been observed in individual(s) with clinical features of BRCA2-related conditions (PMID: 21520333). ClinVar contains an entry for this variant (Variation ID: 479356). Advanced modeling of protein sequence and biophysical properties (such as structural, functional, and spatial information, amino acid conservation, physicochemical variation, residue mobility, and thermodynamic stability) performed at Invitae indicates that this missense variant is not expected to disrupt BRCA2 protein function with a negative predictive value of 95%. In summary, the available evidence is currently insufficient to determine the role of this variant in disease. Therefore, it has been classified as a Variant of Uncertain Significance.

University of Washington Department of Laboratory Medicine, University of Washington
Classification: Likely benign for Hereditary cancer-predisposing syndrome. Last evaluated: 2023-03-23. Review status: criteria provided, single submitter. Criteria: Dines et al. (Genet Med. 2020). Collection method: curation. Allele origin: germline.
Comment: Missense variant in a coldspot region where missense variants are very unlikely to be pathogenic (PMID:31911673).

BRCA2 exon 10 coldspot. Reclassification based on statistical prior probability.

Ambry Genetics
Classification: Uncertain significance for Hereditary cancer-predisposing syndrome. Last evaluated: 2016-10-03. Review status: criteria provided, single submitter. Criteria: Ambry Variant Classification Scheme 2023. Collection method: clinical testing. Allele origin: germline.
Comment: The p.Q486P variant (also known as c.1457A>C), located in coding exon 9 of the BRCA2 gene, results from an A to C substitution at nucleotide position 1457. The glutamine at codon 486 is replaced by proline, an amino acid with similar properties. This variant was not reported in population based cohorts in the following databases: Database of Single Nucleotide Polymorphisms (dbSNP), NHLBI Exome Sequencing Project (ESP), and 1000 Genomes Project. In the ESP, this variant was not observed in 6502 samples (13004 alleles) with coverage at this position. To date, this alteration has been detected with an allele frequency of approximately 0.0003% (greater than 300000 alleles tested) in our clinical cohort. This amino acid position is not well conserved in available vertebrate species. In addition, this alteration is predicted to be tolerated by in silico analysis. Since supporting evidence is limited at this time, the clinical significance of this alteration remains unclear.

Literature cited by the submitters: PubMed 21520333 (cited by Labcorp Genetics (formerly Invitae), Labcorp).